The following is an entry in ClinVar:

ClinVar aggregate classification (germline): Uncertain significance (1 of 4 stars; one submission).

Conditions:
Familial cancer of breast. Also called: hereditary breast carcinoma; Hereditary breast cancer; BREAST CANCER, FAMILIAL. Identifiers: Orphanet 227535, MedGen C0346153, MONDO:0016419, OMIM 114480. Disease mechanism: loss of function.

Submission:

Labcorp Genetics (formerly Invitae), Labcorp
Classification: Uncertain significance for Familial cancer of breast. Last evaluated: 2020-11-17. Review status: criteria provided, single submitter. Criteria: Invitae Variant Classification Sherloc (09022015). Collection method: clinical testing. Allele origin: germline.
Comment: This sequence change replaces glutamic acid with glycine at codon 400 of the PALB2 protein (p.Glu400Gly). The glutamic acid residue is highly conserved and there is a moderate physicochemical difference between glutamic acid and glycine. This variant is not present in population databases (ExAC no frequency). This variant has not been reported in the literature in individuals with PALB2-related conditions. Algorithms developed to predict the effect of missense changes on protein structure and function are either unavailable or do not agree on the potential impact of this missense change (SIFT: "Deleterious"; PolyPhen-2: "Probably Damaging"; Align-GVGD: "Class C15"). In summary, the available evidence is currently insufficient to determine the role of this variant in disease. Therefore, it has been classified as a Variant of Uncertain Significance.

NM_024675.4(PALB2):c.1199A>G (p.Glu400Gly)

Gene: PALB2 (partner and localizer of BRCA2; minus strand). Cytogenetic location: 16p12.2.
Variant type: single nucleotide variant.
Coding change: c.1199A>G on transcript NM_024675.4 (MANE Select); coding-DNA position 1199, A replaced by G.
Protein change: p.Glu400Gly; replaces glutamic acid 400 with glycine.
Molecular consequence: missense variant.
Genome position (GRCh38, 1-based): chr16:23,635,347, T>C on the plus strand (A>G on the coding strand, the complement: PALB2 is on the minus strand). VCF-style: chr16-23635347-T-C. GRCh37 (hg19) VCF-style: chr16-23646668-T-C.
Other names: short protein forms E400G.
Identifiers: ClinVar variation 1348806 (VCV001348806.9), dbSNP rs2142422950, ClinGen allele CA395133240.